The following is an entry in ClinVar:

NM_004473.4(FOXE1):c.226C>G (p.Leu76Val)

Gene: FOXE1 (forkhead box E1; plus strand). Cytogenetic location: 9q22.33.
Variant type: single nucleotide variant.
Coding change: c.226C>G on transcript NM_004473.4 (MANE Select); coding-DNA position 226, C replaced by G.
Protein change: p.Leu76Val; replaces leucine 76 with valine.
Molecular consequence: missense variant.
Genome position (GRCh38, 1-based): chr9:97,854,140, C>G. VCF-style: chr9-97854140-C-G. GRCh37 (hg19) VCF-style: chr9-100616422-C-G.
Other names: short protein forms L76V.
Identifiers: ClinVar variation 3375288 (VCV003375288.1).
Genomic context (GRCh38, chr9:97,854,140, plus strand): 5'-TACAGCTACATCGCGCTCATCGCCATGGCCATCGCGCACGCGCCCGAGCGCCGCCTCACG[C>G]TGGGCGGCATCTACAAGTTCATCACCGAGCGCTTCCCCTTCTACCGCGACAACCCCAAAA-3'
Protein context (NP_004464.2, residues 66-86): IAHAPERRLT[Leu76Val]GGIYKFITER

ClinVar aggregate classification (germline): Uncertain significance (1 of 4 stars; one submission).

Submission:

Women's Health and Genetics/Laboratory Corporation of America, LabCorp
Classification: Uncertain significance. Last evaluated: 2024-09-23. Review status: criteria provided, single submitter. Criteria: LabCorp Variant Classification Summary - May 2015. Collection method: clinical testing. Allele origin: germline.
Comment: Variant summary: FOXE1 c.226C>G (p.Leu76Val) results in a conservative amino acid change located in the Fork head domain (IPR001766) of the encoded protein sequence. Four of five in-silico tools predict a damaging effect of the variant on protein function. The variant allele was found at a frequency of 4e-06 in 248634 control chromosomes. The available data on variant occurrences in the general population are insufficient to allow any conclusion about variant significance. To our knowledge, no occurrence of c.226C>G in individuals affected with Bamforth-Lazarus Syndrome and no experimental evidence demonstrating its impact on protein function have been reported. No submitters have cited clinical-significance assessments for this variant to ClinVar. Based on the evidence outlined above, the variant was classified as uncertain significance.